The following is an entry in ClinVar:

NC_000004.11:g.(?_128886207)_(128886288_?)del

Gene: MFSD8 (major facilitator superfamily domain containing 8; minus strand). Cytogenetic location: 4q28.2.
Variant type: Deletion.
Identifiers: ClinVar variation 2427414 (VCV002427414.3).

ClinVar aggregate classification (germline): Pathogenic (1 of 4 stars; one submission).

Conditions:
Neuronal ceroid lipofuscinosis 7 (CLN7). Also called: MFSD8-Related Neuronal Ceroid-Lipofuscinosis. Identifiers: Orphanet 168491, Orphanet 228366, MedGen C1838571, MONDO:0012588, OMIM 610951.

Submission:

Labcorp Genetics (formerly Invitae), Labcorp
Classification: Pathogenic for Neuronal ceroid lipofuscinosis 7. Last evaluated: 2022-09-13. Review status: criteria provided, single submitter. Criteria: Invitae Variant Classification Sherloc (09022015). Collection method: clinical testing. Allele origin: germline.
Comment: This variant is a gross deletion of the genomic region encompassing exon 2 of the MFSD8 gene, which includes the initiator codon. This deletion extends beyond the assayed region for this gene and therefore may encompass additional genes. It is expected to result in an absent or disrupted protein product. Loss-of-function variants in MFSD8 are known to be pathogenic (PMID: 19177532, 25227500, 28586915). This variant has not been reported in the literature in individuals affected with MFSD8-related conditions. For these reasons, this variant has been classified as Pathogenic.

Literature cited by the submitters: PubMed 19177532; PubMed 25227500; PubMed 28586915.